The following is an entry in ClinVar:

ClinVar aggregate classification (germline): Conflicting classifications of pathogenicity. Review status: criteria provided, conflicting classifications (1 of 4 stars). 6 submissions from 6 submitters: Uncertain significance (5); Likely benign (1). Last evaluated 2025-07-29.

Conditions:
Hereditary nonpolyposis colorectal neoplasms. Identifiers: MedGen C0009405, MeSH D003123.
Lynch syndrome. Identifiers: Orphanet 144, MedGen C4552100, MONDO:0005835. Disease mechanism: loss of function.
Lynch syndrome 5 (LYNCH5). Also called: Colorectal cancer, hereditary nonpolyposis, type 5; Hereditary non-polyposis colorectal cancer, type 5. Identifiers: Orphanet 144, MedGen C1833477, MONDO:0013710, OMIM 614350. Disease mechanism: loss of function.
Hereditary cancer-predisposing syndrome. Also called: Tumor predisposition; Hereditary Cancer Syndrome; Hereditary neoplastic syndrome; Neoplastic Syndromes, Hereditary. Identifiers: Orphanet 140162, MedGen C0027672, MeSH D009386, MONDO:0015356.

Allele frequency attached by ClinVar (database versions not stated): TOPMed below 0.00001; gnomAD exomes 0.00001.
gnomAD v4.1: 2 of 1,614,144 alleles (0.00012%); highest among the groups gnomAD compares: East Asian, 0.0022%; no homozygotes.

Submissions (6):

Labcorp Genetics (formerly Invitae), Labcorp
Classification: Uncertain significance for Hereditary nonpolyposis colorectal neoplasms. Last evaluated: 2025-07-29. Review status: criteria provided, single submitter. Criteria: Invitae Variant Classification Sherloc (09022015). Collection method: clinical testing. Allele origin: germline.
Comment: This sequence change replaces proline, which is neutral and non-polar, with arginine, which is basic and polar, at codon 1073 of the MSH6 protein (p.Pro1073Arg). This variant is present in population databases (rs587779257, gnomAD 0.01%). This missense change has been observed in individual(s) with breast and pancreatic cancer (PMID: 30630526, 35171259). ClinVar contains an entry for this variant (Variation ID: 89355). Invitae Evidence Modeling of protein sequence and biophysical properties (such as structural, functional, and spatial information, amino acid conservation, physicochemical variation, residue mobility, and thermodynamic stability) indicates that this missense variant is not expected to disrupt MSH6 protein function with a negative predictive value of 95%. In summary, the available evidence is currently insufficient to determine the role of this variant in disease. Therefore, it has been classified as a Variant of Uncertain Significance.

Myriad Genetics, Inc.
Classification: Likely benign for Lynch syndrome 5. Last evaluated: 2025-01-03. Review status: criteria provided, single submitter. Criteria: Myriad Autosomal Dominant, Autosomal Recessive and X-Linked Classification Criteria (2023). Collection method: clinical testing. Allele origin: unknown.
Comment: This variant is considered likely benign. This variant has been observed in trans with a known pathogenic variant in one or more individuals lacking clinical features consistent with gene-specific recessive disease.

Ambry Genetics
Classification: Uncertain significance for Hereditary cancer-predisposing syndrome. Last evaluated: 2024-03-15. Review status: criteria provided, single submitter. Criteria: Ambry Variant Classification Scheme 2023. Collection method: clinical testing. Allele origin: germline.
Comment: The p.P1073R variant (also known as c.3218C>G), located in coding exon 5 of the MSH6 gene, results from a C to G substitution at nucleotide position 3218. The proline at codon 1073 is replaced by arginine, an amino acid with dissimilar properties. The variant was also reported in a cohort of 1009 Chinese patients with a personal history of pancreatic ductal adenocarcinoma; neither reported a family history of cancer, however (Yin L et al. JAMA Netw Open, 2022 Feb;5:e2148721). This amino acid position is well conserved in available vertebrate species. In addition, the in silico prediction for this alteration is inconclusive. Based on the available evidence, the clinical significance of this alteration remains unclear.

All of Us Research Program, National Institutes of Health
Classification: Uncertain significance for Lynch syndrome. Last evaluated: 2023-12-18. Review status: criteria provided, single submitter. Criteria: ACMG Guidelines, 2015. Collection method: clinical testing. Allele origin: germline. Inheritance: Autosomal dominant inheritance. Observed: 2 variant alleles, 2 heterozygotes.
Comment: This missense variant replaces proline with arginine at codon 1073 of the MSH6 protein. Computational prediction tool is inconclusive regarding the impact of this variant on protein structure and function (internally defined REVEL score threshold 0.5 < inconclusive < 0.7, PMID: 27666373). Splice site prediction tools suggest that this variant may not impact RNA splicing. To our knowledge, functional studies have not been performed for this variant. This variant has not been reported in individuals affected with hereditary cancer in the literature. This variant has been identified in 2/251354 chromosomes in the general population by the Genome Aggregation Database (gnomAD). The available evidence is insufficient to determine the role of this variant in disease conclusively. Therefore, this variant is classified as a Variant of Uncertain Significance.

This study involves interpretation of variants in research participants for the purpose of population health screening. Participant phenotype was not available at the time of variant classification. Additional details can be found in publication PMID: 35346344, PMCID: PMC8962531

Color Diagnostics, LLC DBA Color Health
Classification: Uncertain significance for Hereditary cancer-predisposing syndrome. Last evaluated: 2023-11-30. Review status: criteria provided, single submitter. Criteria: ACMG Guidelines, 2015. Collection method: clinical testing. Allele origin: germline.
Comment: This missense variant replaces proline with arginine at codon 1073 of the MSH6 protein. Computational prediction is inconclusive regarding the impact of this variant on protein structure and function (internally defined REVEL score threshold 0.5 < inconclusive < 0.7, PMID: 27666373). To our knowledge, functional studies have not been reported for this variant. This variant has been observed in a cohort of individuals affected by sporadic triple negative breast cancer (PMID: 30630526). This variant has been identified in 2/251354 chromosomes in the general population by the Genome Aggregation Database (gnomAD). The available evidence is insufficient to determine the role of this variant in disease conclusively. Therefore, this variant is classified as a Variant of Uncertain Significance.

GeneDx
Classification: Uncertain significance. Last evaluated: 2014-12-17. Review status: criteria provided, single submitter. Criteria: GeneDx Variant Classification (06012015). Collection method: clinical testing. Allele origin: germline. Affected: yes.
Comment: This variant is denoted MSH6 c.3218C>G at the cDNA level, p.Pro1073Arg (P1073R) at the protein level, and results in the change of a Proline to an Arginine (CCT>CGT). Terui et al. (2013) concluded that this variant had no impact on functionality of MSH6 based on a prediction model which included integration of in silico models and other structural properties. The International Society for Gastrointestinal Hereditary Tumours Incorporated (InSiGHT) classifies this variant as uncertain due to insufficient evidence for classification (Thompson 2014). MSH6 Pro1073Arg was not observed in approximately 6,500 individuals of European and African American ancestry in the NHLBI Exome Sequencing Project, indicating it is not a common benign variant in these populations. Since Proline and Arginine differ in polarity, charge, size or other properties, this is considered a non-conservative amino acid substitution. MSH6 Pro1073Arg occurs at a position that is highly conserved through mammals and is located in the MutS domain (Terui 2013). In silico analyses are inconsistent regarding the effect this variant may have on protein structure and function. Based on currently available information, it is unclear whether MSH6 Pro1073Arg is pathogenic or benign. We consider it to be a variant of uncertain significance.

Literature cited by the submitters: PubMed 30630526 (cited by 3 submitters); PubMed 35171259 (cited by Labcorp Genetics (formerly Invitae), Labcorp and Ambry Genetics).

NM_000179.3(MSH6):c.3218C>G (p.Pro1073Arg)

Gene: MSH6 (mutS homolog 6; plus strand). Cytogenetic location: 2p16.3.
Variant type: single nucleotide variant.
Coding change: c.3218C>G on transcript NM_000179.3 (MANE Select); coding-DNA position 3218, C replaced by G.
Protein change: p.Pro1073Arg; replaces proline 1073 with arginine.
Molecular consequence: missense variant.
Genome position (GRCh38, 1-based): chr2:47,803,465, C>G. VCF-style: chr2-47803465-C-G. GRCh37 (hg19) VCF-style: chr2-48030604-C-G.
Other names: c.2828C>G, p.Pro943Arg (NM_001281492.2); c.2312C>G, p.Pro771Arg (NM_001281493.2, NM_001281494.2); short protein forms P1073R, P943R, P771R.
Identifiers: ClinVar variation 89355 (VCV000089355.18), dbSNP rs587779257, ClinGen allele CA012014.
Genomic context (GRCh38, chr2:47,803,465, plus strand): 5'-CCTCTCTTTTAACAGATGTTTTACTGTGCCTGGCTAACTATAGTCGAGGGGGTGATGGTC[C>G]TATGTGTCGCCCAGTAATTCTGTTGCCGGAAGATACCCCCCCCTTCTTAGAGCTTAAAGG-3'
Protein context (NP_000170.1, residues 1063-1083): LANYSRGGDG[Pro1073Arg]MCRPVILLPE